The following is an entry in ClinVar:

NM_001099922.3(ALG13):c.2396G>A (p.Arg799His)

Gene: ALG13 (ALG13 UDP-N-acetylglucosaminyltransferase subunit; plus strand). Cytogenetic location: Xq23.
Variant type: single nucleotide variant.
Coding change: c.2396G>A on transcript NM_001099922.3 (MANE Select); coding-DNA position 2396, G replaced by A.
Protein change: p.Arg799His; replaces arginine 799 with histidine.
Molecular consequence: missense variant. On other transcripts: non-coding transcript variant (1).
Genome position (GRCh38, 1-based): chrX:111,730,422, G>A. VCF-style: chrX-111730422-G-A. GRCh37 (hg19) VCF-style: chrX-110973650-G-A.
Other names: c.2084G>A, p.Arg695His (NM_001257237.2, NM_001257230.2, NM_001257234.2); c.2396G>A, p.Arg799His (NM_001324292.2); c.1910G>A, p.Arg637His (NM_001324293.1); c.2162G>A, p.Arg721His (NM_001257231.2); short protein forms R695H, R799H, R637H, R721H.
Identifiers: ClinVar variation 574335 (VCV000574335.6), dbSNP rs1441099792, ClinGen allele CA414253961.

ClinVar aggregate classification (germline): Uncertain significance (1 of 4 stars; one submission).

Conditions:
Developmental and epileptic encephalopathy, 36 (DEE36). Also called: Epileptic encephalopathy, early infantile, 36; Congenital disorder of glycosylation, type Is; ALG13-CDG. Identifiers: Orphanet 324422, MedGen C4317295, MONDO:0010472, OMIM 300884.

Allele frequency attached by ClinVar (database versions not stated): gnomAD exomes below 0.00001 and 0.00001; TOPMed 0.00002; gnomAD 0.00005.
gnomAD v4.1: 9 of 1,205,717 alleles (0.00075%); highest among the groups gnomAD compares: Non-Finnish European, 0.0009%; no homozygotes.

Submission:

Labcorp Genetics (formerly Invitae), Labcorp
Classification: Uncertain significance for Developmental and epileptic encephalopathy, 36. Last evaluated: 2021-08-30. Review status: criteria provided, single submitter. Criteria: Invitae Variant Classification Sherloc (09022015). Collection method: clinical testing. Allele origin: germline.
Comment: This sequence change replaces arginine with histidine at codon 799 of the ALG13 protein (p.Arg799His). The arginine residue is weakly conserved and there is a small physicochemical difference between arginine and histidine. This variant is not present in population databases (ExAC no frequency). This variant has not been reported in the literature in individuals affected with ALG13-related conditions. Algorithms developed to predict the effect of missense changes on protein structure and function are either unavailable or do not agree on the potential impact of this missense change (SIFT: "Tolerated"; PolyPhen-2: "Benign"; Align-GVGD: "Class C0"). In summary, the available evidence is currently insufficient to determine the role of this variant in disease. Therefore, it has been classified as a Variant of Uncertain Significance.